The following is an entry in ClinVar:

ClinVar aggregate classification (germline): Uncertain significance (1 of 4 stars; one submission).

Allele frequency attached by ClinVar (database versions not stated): gnomAD 0.00001; gnomAD exomes 0.00001; TOPMed 0.00005; ExAC 0.00002.
gnomAD v4.1: 23 of 1,613,946 alleles (0.0014%); highest among the groups gnomAD compares: African/African-American, 0.004%; no homozygotes.

Submission:

Labcorp Genetics (formerly Invitae), Labcorp
Classification: Uncertain significance. Last evaluated: 2026-02-02. Review status: criteria provided, single submitter. Criteria: Invitae Variant Classification Sherloc (09022015). Collection method: clinical testing. Allele origin: germline.
Comment: This sequence change replaces arginine, which is basic and polar, with tryptophan, which is neutral and slightly polar, at codon 1066 of the DHX37 protein (p.Arg1066Trp). This variant is present in population databases (rs770488937, gnomAD 0.008%). This variant has not been reported in the literature in individuals affected with DHX37-related conditions. ClinVar contains an entry for this variant (Variation ID: 1973552). An algorithm developed to predict the effect of missense changes on protein structure and function (PolyPhen-2) suggests that this variant is likely to be disruptive. In summary, the available evidence is currently insufficient to determine the role of this variant in disease. Therefore, it has been classified as a Variant of Uncertain Significance.

NM_032656.4(DHX37):c.3196C>T (p.Arg1066Trp)

Gene: DHX37 (DEAH-box helicase 37; minus strand). Cytogenetic location: 12q24.31.
Variant type: single nucleotide variant.
Coding change: c.3196C>T on transcript NM_032656.4 (MANE Select); coding-DNA position 3196, C replaced by T.
Protein change: p.Arg1066Trp; replaces arginine 1066 with tryptophan.
Molecular consequence: missense variant.
Genome position (GRCh38, 1-based): chr12:124,950,169, G>A on the plus strand (C>T on the coding strand, the complement: DHX37 is on the minus strand). VCF-style: chr12-124950169-G-A. GRCh37 (hg19) VCF-style: chr12-125434715-G-A.
Other names: short protein forms R1066W.
Identifiers: ClinVar variation 1973552 (VCV001973552.5), dbSNP rs770488937, ClinGen allele CA6871321.